The following is an entry in ClinVar:

NM_014140.4(SMARCAL1):c.340C>T (p.Arg114Cys)

Gene: SMARCAL1 (SNF2 related chromatin remodeling annealing helicase 1; plus strand). Cytogenetic location: 2q35.
Variant type: single nucleotide variant.
Coding change: c.340C>T on transcript NM_014140.4 (MANE Select); coding-DNA position 340, C replaced by T.
Protein change: p.Arg114Cys; replaces arginine 114 with cysteine.
Molecular consequence: missense variant.
Genome position (GRCh38, 1-based): chr2:216,415,044, C>T. VCF-style: chr2-216415044-C-T. GRCh37 (hg19) VCF-style: chr2-217279767-C-T.
Other names: c.340C>T, p.Arg114Cys (NM_001127207.2); short protein forms R114C.
Identifiers: ClinVar variation 2145926 (VCV002145926.8), dbSNP rs202031614, ClinGen allele CA2097581.

ClinVar aggregate classification (germline): Conflicting classifications of pathogenicity. Review status: criteria provided, conflicting classifications (1 of 4 stars). 5 submissions from 5 submitters: Uncertain significance (4); Likely benign (1). Last evaluated 2026-05-20.

Conditions:
Schimke immuno-osseous dysplasia (SIOD). Also called: Schimke Immunoosseous Dysplasia. Identifiers: Orphanet 1830, MedGen C0877024, MONDO:0009458, OMIM 242900.
SMARCAL1-related disorder. Also called: SMARCAL1-related condition.
Inborn genetic diseases. Identifiers: MedGen C0950123, MeSH D030342.

Allele frequency attached by ClinVar (database versions not stated): 1000 Genomes Project 30x 0.00016.

Submissions (5):

Women's Health and Genetics/Laboratory Corporation of America, LabCorp
Classification: Uncertain significance. Last evaluated: 2026-05-20. Review status: criteria provided, single submitter. Criteria: LabCorp Variant Classification Summary - May 2015. Collection method: clinical testing. Allele origin: germline.
Comment: Variant summary: SMARCAL1 c.340C>T (p.Arg114Cys) results in a non-conservative amino acid change in the encoded protein sequence. Algorithms developed to predict the effect of missense changes on protein structure and function are either unavailable or do not agree on the potential impact of this missense change. The variant allele was found at a frequency of 8e-06 in 251454 control chromosomes. The available data on variant occurrences in the general population are insufficient to allow any conclusion about variant significance. To our knowledge, no occurrence of c.340C>T in individuals affected with SMARCAL1-related conditions and no experimental evidence demonstrating its impact on protein function have been reported. ClinVar contains an entry for this variant (Variation ID: 2145926). Based on the evidence outlined above, the variant was classified as uncertain significance.

Labcorp Genetics (formerly Invitae), Labcorp
Classification: Likely benign for Schimke immuno-osseous dysplasia. Last evaluated: 2025-11-01. Review status: criteria provided, single submitter. Criteria: Invitae Variant Classification Sherloc (09022015). Collection method: clinical testing. Allele origin: germline.

Fulgent Genetics
Classification: Uncertain significance for Schimke immuno-osseous dysplasia. Last evaluated: 2024-04-04. Review status: criteria provided, single submitter. Criteria: ACMG Guidelines, 2015. Collection method: clinical testing. Allele origin: germline.

Ambry Genetics
Classification: Uncertain significance for Inborn genetic diseases. Last evaluated: 2023-10-10. Review status: criteria provided, single submitter. Criteria: Ambry Variant Classification Scheme 2023. Collection method: clinical testing. Allele origin: germline.

PreventionGenetics, part of Exact Sciences
Classification: Uncertain significance for SMARCAL1-related condition. Last evaluated: 2022-12-20. Review status: criteria provided, single submitter. Criteria: ACMG Guidelines, 2015. Collection method: clinical testing. Allele origin: germline.
Comment: The SMARCAL1 c.340C>T variant is predicted to result in the amino acid substitution p.Arg114Cys. To our knowledge, this variant has not been reported in the literature. This variant is reported in 0.0080% of alleles in individuals of African descent in gnomAD. At this time, the clinical significance of this variant is uncertain due to the absence of conclusive functional and genetic evidence.